The following is an entry in ClinVar:

NM_004933.3(CDH15):c.890G>A (p.Arg297Lys)

Gene: CDH15 (cadherin 15; plus strand). Cytogenetic location: 16q24.3.
Variant type: single nucleotide variant.
Coding change: c.890G>A on transcript NM_004933.3 (MANE Select); coding-DNA position 890, G replaced by A.
Protein change: p.Arg297Lys; replaces arginine 297 with lysine.
Molecular consequence: missense variant.
Genome position (GRCh38, 1-based): chr16:89,188,197, G>A. VCF-style: chr16-89188197-G-A. GRCh37 (hg19) VCF-style: chr16-89254605-G-A.
Other names: short protein forms R297K.
Identifiers: ClinVar variation 2647026 (VCV002647026.24), dbSNP rs780518523, ClinGen allele CA8239037.

ClinVar aggregate classification (germline): Likely benign (1 of 4 stars; one submission).

gnomAD v4.1: 37 of 1,613,382 alleles (0.0023%); highest among the groups gnomAD compares: South Asian, 0.041%; no homozygotes.

Submission:

CeGaT Center for Human Genetics Tuebingen
Classification: Likely benign. Last evaluated: 2022-07-01. Review status: criteria provided, single submitter. Criteria: CeGaT Center For Human Genetics Tuebingen Variant Classification Criteria Version 2. Collection method: clinical testing. Allele origin: germline. Affected: yes. Observed: 1 variant allele.
Comment: CDH15: BP4